The following is an entry in ClinVar:

ClinVar aggregate classification (germline): Uncertain significance (1 of 4 stars; one submission).

Conditions:
Brachyolmia-amelogenesis imperfecta syndrome. Also called: Tooth agenesis, selective, 6; Dental anomalies and short stature; PLATYSPONDYLY WITH AMELOGENESIS IMPERFECTA. Identifiers: Orphanet 2899, MedGen C1832594, MONDO:0011018, OMIM 601216. Disease mechanism: loss of function.

Allele frequency attached by ClinVar (database versions not stated): gnomAD 0.00001; gnomAD exomes 0.00002 and 0.00008; ExAC 0.00012.
gnomAD v4.1: 37 of 1,545,222 alleles (0.0024%); highest among the groups gnomAD compares: Non-Finnish European, 0.00078%; no homozygotes.

Submission:

Labcorp Genetics (formerly Invitae), Labcorp
Classification: Uncertain significance for Brachyolmia-amelogenesis imperfecta syndrome. Last evaluated: 2025-11-08. Review status: criteria provided, single submitter. Criteria: Invitae Variant Classification Sherloc (09022015). Collection method: clinical testing. Allele origin: germline.
Comment: This sequence change replaces aspartic acid, which is acidic and polar, with asparagine, which is neutral and polar, at codon 1160 of the LTBP3 protein (p.Asp1160Asn). This variant is present in population databases (rs762718826, gnomAD 0.1%). This variant has not been reported in the literature in individuals affected with LTBP3-related conditions. ClinVar contains an entry for this variant (Variation ID: 1372561). An algorithm developed to predict the effect of missense changes on protein structure and function (PolyPhen-2) suggests that this variant is likely to be tolerated. In summary, the available evidence is currently insufficient to determine the role of this variant in disease. Therefore, it has been classified as a Variant of Uncertain Significance.

NM_001130144.3(LTBP3):c.3478G>A (p.Asp1160Asn)

Gene: LTBP3 (latent transforming growth factor beta binding protein 3; minus strand). Cytogenetic location: 11q13.1.
Variant type: single nucleotide variant.
Coding change: c.3478G>A on transcript NM_001130144.3 (MANE Select); coding-DNA position 3478, G replaced by A.
Protein change: p.Asp1160Asn; replaces aspartic acid 1160 with asparagine.
Molecular consequence: missense variant.
Genome position (GRCh38, 1-based): chr11:65,539,789, C>T on the plus strand (G>A on the coding strand, the complement: LTBP3 is on the minus strand). VCF-style: chr11-65539789-C-T. GRCh37 (hg19) VCF-style: chr11-65307260-C-T.
Other names: c.2986G>A, p.Asp996Asn (NM_001164266.1); c.3337G>A, p.Asp1113Asn (NM_021070.4); short protein forms D996N, D1113N, D1160N.
Identifiers: ClinVar variation 1372561 (VCV001372561.6), dbSNP rs762718826, ClinGen allele CA6100278.